The following is an entry in ClinVar:

NM_006899.5(IDH3B):c.421A>G (p.Asn141Asp)

Gene: IDH3B (isocitrate dehydrogenase (NAD(+)) 3 non-catalytic subunit beta; minus strand). Cytogenetic location: 20p13.
Variant type: single nucleotide variant.
Coding change: c.421A>G on transcript NM_006899.5 (MANE Select); coding-DNA position 421, A replaced by G.
Protein change: p.Asn141Asp; replaces asparagine 141 with aspartic acid.
Molecular consequence: missense variant. On other transcripts: non-coding transcript variant (1).
Genome position (GRCh38, 1-based): chr20:2,660,807, T>C on the plus strand (A>G on the coding strand, the complement: IDH3B is on the minus strand). VCF-style: chr20-2660807-T-C. GRCh37 (hg19) VCF-style: chr20-2641453-T-C.
Other names: c.421A>G, p.Asn141Asp (NM_001258384.3, NM_001330763.2, NM_174855.4); c.421A>G (NM_006899.2); short protein forms N141D.
Identifiers: ClinVar variation 1366902 (VCV001366902.5), dbSNP rs375461838, ClinGen allele CA9735285.
Genomic context (GRCh38, chr20:2,660,807, plus strand): 5'-CCAGGTCTAGATTGTTGTGCCGAGTCATATACCCAGGAAGTGACTTCACATGGACTACGT[T>C]GGCAAATAAGTCCAACTTACGCCTGAGGGTGGGCAGGGCCATCAGCTCTGCTCCTGGTGC-3'
Protein context (NP_008830.2, residues 131-151): RLRRKLDLFA[Asn141Asp]VVHVKSLPGY

ClinVar aggregate classification (germline): Uncertain significance. Review status: criteria provided, multiple submitters, no conflicts (2 of 4 stars). 3 submissions from 3 submitters: Uncertain significance (3). Last evaluated 2024-10-09.

Allele frequency attached by ClinVar (database versions not stated): gnomAD 0.00001; TOPMed 0.00001; ExAC 0.00002; gnomAD exomes 0.00002; ESP Exome Variant Server 0.00008.
gnomAD v4.1: 36 of 1,614,058 alleles (0.0022%); highest among the groups gnomAD compares: Non-Finnish European, 0.0029%; no homozygotes.

Submissions (3):

Ambry Genetics
Classification: Uncertain significance. Last evaluated: 2024-10-09. Review status: criteria provided, single submitter. Criteria: Ambry Variant Classification Scheme 2023. Collection method: clinical testing. Allele origin: germline.

Blueprint Genetics
Classification: Uncertain significance. Last evaluated: 2024-06-10. Review status: criteria provided, single submitter. Criteria: ACMG Guidelines, 2015. Collection method: clinical testing. Allele origin: germline.

Labcorp Genetics (formerly Invitae), Labcorp
Classification: Uncertain significance. Last evaluated: 2022-08-23. Review status: criteria provided, single submitter. Criteria: Invitae Variant Classification Sherloc (09022015). Collection method: clinical testing. Allele origin: germline.
Comment: This sequence change replaces asparagine with aspartic acid at codon 141 of the IDH3B protein (p.Asn141Asp). The asparagine residue is highly conserved and there is a small physicochemical difference between asparagine and aspartic acid. This variant is present in population databases (rs375461838, gnomAD 0.004%). This variant has not been reported in the literature in individuals affected with IDH3B-related conditions. ClinVar contains an entry for this variant (Variation ID: 1366902). Algorithms developed to predict the effect of missense changes on protein structure and function are either unavailable or do not agree on the potential impact of this missense change (SIFT: "Not Available"; PolyPhen-2: "Probably Damaging"; Align-GVGD: "Not Available"). In summary, the available evidence is currently insufficient to determine the role of this variant in disease. Therefore, it has been classified as a Variant of Uncertain Significance.